The following is an entry in ClinVar:

ClinVar aggregate classification (germline): Likely pathogenic (1 of 4 stars; one submission).

Conditions:
Syndromic microphthalmia type 5 (MCOPS5). Also called: RETINAL DYSTROPHY, EARLY-ONSET, WITH PITUITARY DYSFUNCTION; RETINAL DYSTROPHY, EARLY-ONSET, WITHOUT PITUITARY DYSFUNCTION. Identifiers: Orphanet 178364, MedGen C1864690, MONDO:0012413, OMIM 610125.

Submission:

Illumina Laboratory Services, Illumina
Classification: Likely pathogenic for Syndromic microphthalmia type 5. Last evaluated: 2018-08-30. Review status: criteria provided, single submitter. Criteria: ICSLVariantClassificationCriteria RUGD 01 April 2020. Collection method: clinical testing. Allele origin: unknown.
Comment: The OTX2 c.150G>C p.(Arg50Ser) variant is a missense variant, also known as c.126G>C p.(Arg42Ser). To our knowledge, this variant has not been reported in the peer-reviewed literature. This variant is not observed in version 2.1.1 or version 4.0.0 of the Genome Aggregation Database. The p.(Arg42Ser) variant is located in the DNA binding homeobox domain, which is required for transactivation activity (Chatelain et al., 2006). This domain is also the site of multiple reported variants, including missense variants (Ragge et al. 2005; Wyatt et al. 2008; Dateki et al. 2010; Schilter et al. 2011; Somashekar et al. 2017). Multiple lines of computational evidence suggest the variant may impact the gene or gene product. Based on the evidence the c.150G>C p.(Arg50Ser) variant is classified as likely pathogenic for syndromic microphthalmia.

NM_021728.4(OTX2):c.150G>C (p.Arg50Ser)

Gene: OTX2 (orthodenticle homeobox 2; minus strand). Cytogenetic location: 14q22.3.
Variant type: single nucleotide variant.
Coding change: c.150G>C on transcript NM_021728.4 (MANE Select); coding-DNA position 150, G replaced by C.
Protein change: p.Arg50Ser; replaces arginine 50 with serine.
Molecular consequence: missense variant.
Genome position (GRCh38, 1-based): chr14:56,804,311, C>G on the plus strand (G>C on the coding strand, the complement: OTX2 is on the minus strand). VCF-style: chr14-56804311-C-G. GRCh37 (hg19) VCF-style: chr14-57271029-C-G.
Other names: c.126G>C, p.Arg42Ser (NM_001270523.2, NM_001270524.2, NM_172337.3); c.150G>C, p.Arg50Ser (NM_001270525.2); short protein forms R42S, R50S.
Identifiers: ClinVar variation 3062100 (VCV003062100.1), dbSNP rs1246931412, ClinGen allele CA390052505.